The following is an entry in ClinVar:

NC_000016.9:g.(?_47495262)_(47537021_?)del

Gene: PHKB (phosphorylase kinase regulatory subunit beta; plus strand). Cytogenetic location: 16q12.1.
Variant type: Deletion.
Identifiers: ClinVar variation 3243378 (VCV003243378.1).

ClinVar aggregate classification (germline): Pathogenic (1 of 4 stars; one submission).

Conditions:
Glycogen storage disease IXb (GSD9B). Also called: GLYCOGENOSIS OF LIVER AND MUSCLE, AUTOSOMAL RECESSIVE; GSD IXb; PHOSPHORYLASE KINASE DEFICIENCY OF LIVER AND MUSCLE, AUTOSOMAL RECESSIVE. Identifiers: Orphanet 79240, MedGen C0543514, MONDO:0009868, OMIM 261750.

Submission:

Labcorp Genetics (formerly Invitae), Labcorp
Classification: Pathogenic for Glycogen storage disease IXb. Last evaluated: 2023-08-10. Review status: criteria provided, single submitter. Criteria: Invitae Variant Classification Sherloc (09022015). Collection method: clinical testing. Allele origin: unknown.
Comment: For these reasons, this variant has been classified as Pathogenic. This variant has not been reported in the literature in individuals affected with PHKB-related conditions. This variant is a gross deletion of the genomic region encompassing exon(s) 1-4 of the PHKB gene, which includes the initiator codon. This deletion extends beyond the assayed region for this gene and therefore may encompass additional genes. It is expected to result in an absent or disrupted protein product. Loss-of-function variants in PHKB are known to be pathogenic (PMID: 9215682, 9326319).

Literature cited by the submitters: PubMed 9215682; PubMed 9326319.